The following is an entry in ClinVar:

NM_001148.6(ANK2):c.773C>T (p.Ala258Val)

Gene: ANK2 (ankyrin 2; plus strand). Cytogenetic location: 4q26.
Variant type: single nucleotide variant.
Coding change: c.773C>T on transcript NM_001148.6 (MANE Select); coding-DNA position 773, C replaced by T.
Protein change: p.Ala258Val; replaces alanine 258 with valine.
Molecular consequence: missense variant.
Genome position (GRCh38, 1-based): chr4:113,240,564, C>T. VCF-style: chr4-113240564-C-T. GRCh37 (hg19) VCF-style: chr4-114161720-C-T.
Other names: c.710C>T, p.Ala237Val (NM_001127493.3, NM_001354253.2, NM_001354254.2 and 14 more transcripts); c.773C>T, p.Ala258Val (NM_001354225.2, NM_001354228.2, NM_001354232.2 and 9 more transcripts); c.818C>T, p.Ala273Val (NM_001354230.2, NM_001354231.2, NM_001354237.2 and 5 more transcripts); c.686C>T, p.Ala229Val (NM_001354260.2, NM_001354274.2, NM_001354276.2 and 16 more transcripts); c.731C>T, p.Ala244Val (NM_001354261.2, NM_001386147.1, NM_001386160.1); c.761C>T, p.Ala254Val (NM_001386148.2, NM_001386186.2, NM_001354269.3); c.824C>T, p.Ala275Val (NM_001386174.1); c.800C>T, p.Ala267Val (NM_001386175.1); and 1 more; short protein forms A229V, A237V, A244V, A246V, A254V, A258V, A267V, A273V.
Identifiers: ClinVar variation 4858364 (VCV004858364.1).

ClinVar aggregate classification (germline): Uncertain significance (1 of 4 stars; one submission).

Conditions:
Cardiovascular phenotype. Identifiers: MedGen CN230736.

Submission:

Ambry Genetics
Classification: Uncertain significance for Cardiovascular phenotype. Last evaluated: 2026-06-09. Review status: criteria provided, single submitter. Criteria: Ambry Variant Classification Scheme 2023. Collection method: clinical testing. Allele origin: germline.
Comment: The p.A258V variant (also known as c.773C>T), located in coding exon 8 of the ANK2 gene, results from a C to T substitution at nucleotide position 773. The alanine at codon 258 is replaced by valine, an amino acid with similar properties. This amino acid position is conserved. In addition, the in silico prediction for this alteration is inconclusive. Based on the available evidence, the clinical significance of this variant remains unclear.